The following is an entry in ClinVar:

NM_000744.7(CHRNA4):c.42GCT[5] (p.Leu19dup)

Genes: CHRNA4 (cholinergic receptor nicotinic alpha 4 subunit; minus strand), LOC100130587 (uncharacterized LOC100130587; plus strand). Cytogenetic location: 20q13.33.
Variant type: Microsatellite.
Coding change: c.42GCT[5] on transcript NM_000744.7 (MANE Select); five copies in a row of the 3-base unit GCT starting at c.42; the reference has four copies in a row; one copy, 3 bases duplicated.
Protein change: p.Leu19dup; duplicates leucine 19.
Molecular consequence: inframe insertion. On other transcripts: non-coding transcript variant (1), intron variant (1).
Genome position (GRCh38, 1-based): chr20:63,361,113-63,361,115, AGC duplicated on the plus strand (GCT on the coding strand, the reverse complement: CHRNA4 is on the minus strand); duplicating any 3 consecutive bases within chr20:63,361,113-63,361,124 gives the same sequence; the position shown is the placement nearest the transcript's 3' end. VCF-style (leftmost placement, unchanged base first): chr20-63361112-A-AAGC. GRCh37 (hg19) VCF-style: chr20-61992464-A-AAGC.
Other names: c.-471+53GCT[5] (NM_001256573.2).
Identifiers: ClinVar variation 1377651 (VCV001377651.8), dbSNP rs1053984520, ClinGen allele CA2577453279.

ClinVar aggregate classification (germline): Uncertain significance (1 of 4 stars; one submission).

Conditions:
Familial sleep-related hypermotor epilepsy. Also called: Autosomal Dominant Sleep-Related Hypermotor (Hyperkinetic) Epilepsy. Identifiers: Orphanet 98784, MedGen C3696898, MONDO:0000030.

Submission:

Labcorp Genetics (formerly Invitae), Labcorp
Classification: Uncertain significance. Last evaluated: 2021-03-09. Review status: criteria provided, single submitter. Criteria: Invitae Variant Classification Sherloc (09022015). Collection method: clinical testing. Allele origin: germline.
Comment: This variant, c.51_53dup, results in the insertion of 1 amino acid(s) to the CHRNA4 protein (p.Leu19dup), but otherwise preserves the integrity of the reading frame. The frequency data for this variant in the population databases is considered unreliable, as metrics indicate insufficient coverage at this position in the ExAC database. This variant has not been reported in the literature in individuals with CHRNA4-related conditions. Experimental studies and prediction algorithms are not available or were not evaluated, and the functional significance of this variant is currently unknown. In summary, the available evidence is currently insufficient to determine the role of this variant in disease. Therefore, it has been classified as a Variant of Uncertain Significance.